The following is an entry in ClinVar:

ClinVar aggregate classification (germline): Uncertain significance. Review status: criteria provided, multiple submitters, no conflicts (2 of 4 stars). 2 submissions from 2 submitters: Uncertain significance (2). Last evaluated 2026-05-26.

Conditions:
Hereditary cancer-predisposing syndrome. Also called: Tumor predisposition; Hereditary Cancer Syndrome; Neoplastic Syndromes, Hereditary; Hereditary neoplastic syndrome. Identifiers: Orphanet 140162, MedGen C0027672, MeSH D009386, MONDO:0015356.
Familial cancer of breast. Also called: hereditary breast carcinoma; Hereditary breast cancer; BREAST CANCER, FAMILIAL. Identifiers: Orphanet 227535, MedGen C0346153, MONDO:0016419, OMIM 114480. Disease mechanism: loss of function.

Allele frequency attached by ClinVar (database versions not stated): gnomAD exomes below 0.00001; ExAC 0.00001.

Submissions (2):

Ambry Genetics
Classification: Uncertain significance for Hereditary cancer-predisposing syndrome. Last evaluated: 2026-05-26. Review status: criteria provided, single submitter. Criteria: Ambry Variant Classification Scheme 2023. Collection method: clinical testing. Allele origin: germline.

Labcorp Genetics (formerly Invitae), Labcorp
Classification: Uncertain significance for Familial cancer of breast. Last evaluated: 2024-02-27. Review status: criteria provided, single submitter. Criteria: Invitae Variant Classification Sherloc (09022015). Collection method: clinical testing. Allele origin: germline.
Comment: This sequence change replaces glutamine, which is neutral and polar, with lysine, which is basic and polar, at codon 1044 of the PALB2 protein (p.Gln1044Lys). This variant is present in population databases (rs766394024, gnomAD 0.0009%). This variant has not been reported in the literature in individuals affected with PALB2-related conditions. ClinVar contains an entry for this variant (Variation ID: 643388). Advanced modeling of protein sequence and biophysical properties (such as structural, functional, and spatial information, amino acid conservation, physicochemical variation, residue mobility, and thermodynamic stability) performed at Invitae indicates that this missense variant is expected to disrupt PALB2 protein function with a positive predictive value of 80%. In summary, the available evidence is currently insufficient to determine the role of this variant in disease. Therefore, it has been classified as a Variant of Uncertain Significance.

NM_024675.4(PALB2):c.3130C>A (p.Gln1044Lys)

Gene: PALB2 (partner and localizer of BRCA2; minus strand). Cytogenetic location: 16p12.2.
Variant type: single nucleotide variant.
Coding change: c.3130C>A on transcript NM_024675.4 (MANE Select); coding-DNA position 3130, C replaced by A.
Protein change: p.Gln1044Lys; replaces glutamine 1044 with lysine.
Molecular consequence: missense variant.
Genome position (GRCh38, 1-based): chr16:23,614,075, G>T on the plus strand (C>A on the coding strand, the complement: PALB2 is on the minus strand). VCF-style: chr16-23614075-G-T. GRCh37 (hg19) VCF-style: chr16-23625396-G-T.
Other names: short protein forms Q1044K.
Identifiers: ClinVar variation 643388 (VCV000643388.17), dbSNP rs766394024, ClinGen allele CA7963417.
Genomic context (GRCh38, chr16:23,614,075, plus strand): 5'-AGGCTTTGTGACAGACTGAAGCTTGGTAAGAATCATCAATGTGCATCTTTTTCAGGAGTT[G>T]ACCAGTTTTTAAATTCCTTAGATAACAAAAATAAATAAGCTGATCACATTCTTCCAACAA-3'
Protein context (NP_078951.2, residues 1034-1054): NIVIWNLKTG[Gln1044Lys]LLKKMHIDDS